The following is an entry in ClinVar:

NM_014795.4(ZEB2):c.1541_1548del (p.Pro514fs)

Gene: ZEB2 (zinc finger E-box binding homeobox 2; minus strand). Cytogenetic location: 2q22.3.
Variant type: Deletion.
Coding change: c.1541_1548del on transcript NM_014795.4 (MANE Select); coding-DNA positions 1541 to 1548, 8 bases deleted (CGGTAGTG; older notation c.1541_1548delCGGTAGTG).
Protein change: p.Pro514fs; shifts the reading frame from proline 514.
Molecular consequence: frameshift variant.
Genome position (GRCh38, 1-based): chr2:144,399,639-144,399,646, CACTACCG deleted on the plus strand (CGGTAGTG on the coding strand, the reverse complement: ZEB2 is on the minus strand). VCF-style (leftmost placement, unchanged base first): chr2-144399638-TCACTACCG-T. GRCh37 (hg19) VCF-style: chr2-145157205-TCACTACCG-T.
Other names: c.1469_1476del, p.Pro490fs (NM_001171653.2); short protein forms P490fs, P514fs.
Identifiers: ClinVar variation 973224 (VCV000973224.5), dbSNP rs1703280501, ClinGen allele CA1139655631.

ClinVar aggregate classification (germline): Pathogenic (1 of 4 stars; one submission).

Conditions:
Mowat-Wilson syndrome (MOWS). Also called: Classic Mowat-Wilson Syndrome. Identifiers: Orphanet 2152, MedGen C1856113, MONDO:0009341, OMIM 235730.

Submission:

Institute for Genomic Medicine (IGM) Clinical Laboratory, Nationwide Children's Hospital
Classification: Pathogenic for Mowat-Wilson syndrome. Last evaluated: 2018-06-21. Review status: criteria provided, single submitter. Criteria: ACMG Guidelines, 2015. Collection method: clinical testing. Allele origin: germline. Affected: yes.
Comment: [ACMG/AMP: PVS1, PS2, PM2] This alteration is a null variant in a gene where LOF is a known mechanism of disease [PVS1], is de novo in origin as it was not detected in the submitted parental specimens (identity confirmed) [PS2], is absent from or rarely observed in large-scale population databases [PM2].